The following is an entry in ClinVar:

ClinVar aggregate classification (germline): Uncertain significance (1 of 4 stars; one submission).

Conditions:
Combined oxidative phosphorylation defect type 27. Also called: Combined oxidative phosphorylation deficiency 27. Identifiers: Orphanet 477774, MedGen C5567608, MONDO:0014728, OMIM 616672.

Submission:

Labcorp Genetics (formerly Invitae), Labcorp
Classification: Uncertain significance for Combined oxidative phosphorylation defect type 27. Last evaluated: 2022-01-15. Review status: criteria provided, single submitter. Criteria: Invitae Variant Classification Sherloc (09022015). Collection method: clinical testing. Allele origin: germline.
Comment: This sequence change creates a premature translational stop signal (p.Ser347Alafs*35) in the CARS2 gene. It is expected to result in an absent or disrupted protein product. However, the current clinical and genetic evidence is not sufficient to establish whether loss-of-function variants in CARS2 cause disease. This variant is not present in population databases (gnomAD no frequency). This variant has not been reported in the literature in individuals affected with CARS2-related conditions. In summary, the available evidence is currently insufficient to determine the role of this variant in disease. Therefore, it has been classified as a Variant of Uncertain Significance.

NM_024537.4(CARS2):c.1038del (p.Ser347fs)

Gene: CARS2 (cysteinyl-tRNA synthetase 2, mitochondrial; minus strand). Cytogenetic location: 13q34.
Variant type: Deletion.
Coding change: c.1038del on transcript NM_024537.4 (MANE Select); coding-DNA position 1038, one base deleted (G; older notation c.1038delG).
Protein change: p.Ser347fs; shifts the reading frame from serine 347.
Molecular consequence: frameshift variant. On other transcripts: non-coding transcript variant (2).
Genome position (GRCh38, 1-based): chr13:110,651,050, C deleted on the plus strand (G on the coding strand, the reverse complement: CARS2 is on the minus strand); the first of 2 consecutive C bases (chr13:110,651,050-110,651,051); deleting either gives the same sequence. VCF-style (leftmost placement, unchanged base first): chr13-110651049-TC-T. GRCh37 (hg19) VCF-style: chr13-111303396-TC-T.
Other names: c.252del, p.Ser85fs (NM_001352252.2); short protein forms S347fs, S85fs.
Identifiers: ClinVar variation 1382749 (VCV001382749.6), dbSNP rs2139700269, ClinGen allele CA2573149501.
Genomic context (GRCh38, chr13:110,651,049, plus strand): 5'-TCTCCGAGCTGGGGGGGGAGTCCACTCCACGTGTGCTCGGCTCACCTGAGCGGTAGCTGC[TC>T]CGCAGGCAGAAGAACCGGAAGACATCGGGGGAAAAGGTCTTCAGAAAGTCCTGGTAAAGC-3'